The following is an entry in ClinVar:

NM_007294.4(BRCA1):c.5049G>C (p.Glu1683Asp)

Gene: BRCA1 (BRCA1 DNA repair associated; minus strand). Cytogenetic location: 17q21.31.
Variant type: single nucleotide variant.
Coding change: c.5049G>C on transcript NM_007294.4 (MANE Select); coding-DNA position 5049, G replaced by C.
Protein change: p.Glu1683Asp; replaces glutamic acid 1683 with aspartic acid.
Molecular consequence: missense variant. On other transcripts: non-coding transcript variant (1).
Genome position (GRCh38, 1-based): chr17:43,067,633, C>G on the plus strand (G>C on the coding strand, the complement: BRCA1 is on the minus strand). VCF-style: chr17-43067633-C-G. GRCh37 (hg19) VCF-style: chr17-41219650-C-G.
Other names: c.4836G>C, p.Glu1612Asp (NM_001407571.1, NM_001407894.1, NM_001407895.1 and 12 more transcripts); c.5115G>C, p.Glu1705Asp (NM_001407581.1, NM_001407582.1); c.5112G>C, p.Glu1704Asp (NM_001407583.1, NM_001407585.1, NM_001407587.1 and 1 more transcripts); c.5109G>C, p.Glu1703Asp (NM_001407590.1, NM_001407591.1); c.5049G>C, p.Glu1683Asp (NM_001407593.1, NM_001407594.1, NM_001407596.1 and 8 more transcripts); c.5046G>C, p.Glu1682Asp (NM_001407617.1, NM_001407618.1, NM_001407619.1 and 17 more transcripts); c.5043G>C, p.Glu1681Asp (NM_001407636.1, NM_001407637.1, NM_001407638.1 and 14 more transcripts); c.5040G>C, p.Glu1680Asp (NM_001407644.1, NM_001407645.1); and 70 more; short protein forms E1683D, E579D, E1636D, E1704D, E1386D, E1387D, E1554D, E1556D.
Identifiers: ClinVar variation 868564 (VCV000868564.3), dbSNP rs2052165956, ClinGen allele CA10591420.

Conditions:
Breast-ovarian cancer, familial, susceptibility to, 1 (BROVCA1). Also called: BRCA1 Hereditary Breast and Ovarian Cancer; OVARIAN CANCER, SUSCEPTIBILITY TO. Identifiers: Orphanet 145, MedGen C2676676, MONDO:0011450, OMIM 604370. Disease mechanism: loss of function.

Submission:

Brotman Baty Institute, University of Washington
No classification provided (evidence only). Condition: Breast-ovarian cancer, familial 1. Review status: no classification provided. Collection method: in vitro. Allele origin: not applicable. Functional consequence: functionally_normal.
ClinVar note: "not provided" was previously submitted as the classification for the variant. However, the classification appeared to be based only on an observation of functional data so it was converted to no classification on 2025-07-30.